The following is an entry in ClinVar:

ClinVar aggregate classification (germline): Likely pathogenic (1 of 4 stars; one submission).

Submission:

Labcorp Genetics (formerly Invitae), Labcorp
Classification: Likely pathogenic. Last evaluated: 2024-07-15. Review status: criteria provided, single submitter. Criteria: Invitae Variant Classification Sherloc (09022015). Collection method: clinical testing. Allele origin: germline.
Comment: This sequence change affects a donor splice site in intron 10 of the HARS2 gene. It is expected to disrupt RNA splicing. Variants that disrupt the donor or acceptor splice site typically lead to a loss of protein function (PMID: 16199547), and loss-of-function variants in HARS2 are known to be pathogenic (PMID: 31827252). This variant is not present in population databases (gnomAD no frequency). This variant has not been reported in the literature in individuals affected with HARS2-related conditions. Algorithms developed to predict the effect of sequence changes on RNA splicing suggest that this variant may disrupt the consensus splice site. In summary, the currently available evidence indicates that the variant is pathogenic, but additional data are needed to prove that conclusively. Therefore, this variant has been classified as Likely Pathogenic.

Literature cited by the submitters: PubMed 16199547; PubMed 31827252.

NM_012208.4(HARS2):c.1197+1G>C

Gene: HARS2 (histidyl-tRNA synthetase 2, mitochondrial; plus strand). Cytogenetic location: 5q31.3.
Variant type: single nucleotide variant.
Coding change: c.1197+1G>C on transcript NM_012208.4 (MANE Select); the canonical splice donor site of the intron after coding-DNA position 1197, G replaced by C.
Molecular consequence: splice donor variant.
Genome position (GRCh38, 1-based): chr5:140,697,407, G>C. VCF-style: chr5-140697407-G-C. GRCh37 (hg19) VCF-style: chr5-140076992-G-C.
Other names: c.765+1G>C (NM_001278732.2); c.1215+1G>C (NM_001363535.2); c.1122+1G>C (NM_001278731.2); c.987+1G>C (NM_001363536.2).
Identifiers: ClinVar variation 3659534 (VCV003659534.2).
Genomic context (GRCh38, chr5:140,697,407, plus strand): 5'-TGTGTGGGACTCAGCATTGGGGTTGAGCGAATCTTCTACATTGTGGAGCAGAGGATGAAG[G>C]TAGGTCCTAGATAGGTGTGAGGTGGGGCTGGAGACCTAAAAACCCTCCTGTTTCTGGAGG-3'